The following is an entry in ClinVar:

ClinVar aggregate classification (germline): Uncertain significance (1 of 4 stars; one submission).

Submission:

GeneDx
Classification: Uncertain significance. Last evaluated: 2025-05-14. Review status: criteria provided, single submitter. Criteria: GeneDx Variant Classification Process June 2021. Collection method: clinical testing. Allele origin: germline. Affected: yes.
Comment: Not observed at significant frequency in large population cohorts (gnomAD); In silico analysis suggests that this missense variant does not alter protein structure/function; Has not been previously published as pathogenic or benign to our knowledge

NM_001330288.2(SMARCC2):c.14A>G (p.Lys5Arg)

Gene: SMARCC2 (SWI/SNF related BAF chromatin remodeling complex subunit C2; minus strand). Cytogenetic location: 12q13.2.
Variant type: single nucleotide variant.
Coding change: c.14A>G on transcript NM_001330288.2 (MANE Select); coding-DNA position 14, A replaced by G.
Protein change: p.Lys5Arg; replaces lysine 5 with arginine.
Molecular consequence: missense variant.
Genome position (GRCh38, 1-based): chr12:56,189,448, T>C on the plus strand (A>G on the coding strand, the complement: SMARCC2 is on the minus strand). VCF-style: chr12-56189448-T-C. GRCh37 (hg19) VCF-style: chr12-56583232-T-C.
Other names: c.14A>G, p.Lys5Arg (NM_001130420.3, NM_003075.5, NM_139067.4); short protein forms K5R.
Identifiers: ClinVar variation 4529992 (VCV004529992.1).
Genomic context (GRCh38, chr12:56,189,448, plus strand): 5'-TCGAACTGGGTCACGGTGTCCGCGGCCTCGTAGTACTTCACGTTGGGGCCGCCGTCCTTC[T>C]TCCGCACCGCCATCTTCTCCGGCTCGGGCCCCGCCGCCGCCCGCCCCACTCAGCTCAGCT-3'
Protein context (NP_001317217.1, residues 1-15): MAVR[Lys5Arg]KDGGPNVKYY